The following is an entry in ClinVar:

NM_000037.4(ANK1):c.1562C>A (p.Ala521Asp)

Gene: ANK1 (ankyrin 1; minus strand). Cytogenetic location: 8p11.21.
Variant type: single nucleotide variant.
Coding change: c.1562C>A on transcript NM_000037.4 (MANE Select); coding-DNA position 1562, C replaced by A.
Protein change: p.Ala521Asp; replaces alanine 521 with aspartic acid.
Molecular consequence: missense variant.
Genome position (GRCh38, 1-based): chr8:41,715,692, G>T on the plus strand (C>A on the coding strand, the complement: ANK1 is on the minus strand). VCF-style: chr8-41715692-G-T. GRCh37 (hg19) VCF-style: chr8-41573210-G-T.
Other names: p.Ala521Asp; c.1661C>A, p.Ala554Asp (NM_001142446.2); c.1562C>A, p.Ala521Asp (NM_020475.3, NM_020476.3, NM_020477.3); short protein forms A521D, A554D.
Identifiers: ClinVar variation 3379813 (VCV003379813.1).

ClinVar aggregate classification (germline): Uncertain significance (1 of 4 stars; one submission).

gnomAD v4.1: 15 of 1,613,840 alleles (0.00093%); highest among the groups gnomAD compares: Non-Finnish European, 0.0011%; no homozygotes.

Submission:

Mayo Clinic Laboratories, Mayo Clinic
Classification: Uncertain significance. Last evaluated: 2024-05-06. Review status: criteria provided, single submitter. Criteria: ACMG Guidelines, 2015. Collection method: clinical testing. Allele origin: germline. Observed: 1 variant allele.
Comment: PM2_moderate